The following is an entry in ClinVar:

NM_000890.5(KCNJ5):c.532G>A (p.Val178Ile)

Gene: KCNJ5 (potassium inwardly rectifying channel subfamily J member 5; plus strand). Cytogenetic location: 11q24.3.
Variant type: single nucleotide variant.
Coding change: c.532G>A on transcript NM_000890.5 (MANE Select); coding-DNA position 532, G replaced by A.
Protein change: p.Val178Ile; replaces valine 178 with isoleucine.
Molecular consequence: missense variant.
Genome position (GRCh38, 1-based): chr11:128,911,805, G>A. VCF-style: chr11-128911805-G-A. GRCh37 (hg19) VCF-style: chr11-128781700-G-A.
Other names: c.532G>A, p.Val178Ile (NM_001354169.2); short protein forms V178I.
Identifiers: ClinVar variation 1045677 (VCV001045677.9), dbSNP rs771161358, ClinGen allele CA6357892.

ClinVar aggregate classification (germline): Uncertain significance. Review status: criteria provided, multiple submitters, no conflicts (2 of 4 stars). 2 submissions from 2 submitters: Uncertain significance (2). Last evaluated 2024-07-30.

Conditions:
Long QT syndrome 13 (LQT13). Identifiers: Orphanet 101016, Orphanet 768, MedGen C3150733, MONDO:0013279, OMIM 613485.
Familial hyperaldosteronism type III. Also called: FH III; Familial hyperaldosteronism type 3. Identifiers: Orphanet 251274, MedGen C3838758, MONDO:0013359, OMIM 613677.
Long QT syndrome (LQTS). Identifiers: MedGen C0023976, MeSH D008133, MONDO:0002442. Disease mechanism: loss of function. Inheritance: Various modes of inheritance.

Allele frequency attached by ClinVar (database versions not stated): gnomAD exomes below 0.00001; ExAC 0.00001; gnomAD 0.00001; TOPMed 0.00001.
gnomAD v4.1: 12 of 1,614,064 alleles (0.00074%); highest among the groups gnomAD compares: East Asian, 0.0022%; no homozygotes.

Submissions (2):

Labcorp Genetics (formerly Invitae), Labcorp
Classification: Uncertain significance for Long QT syndrome. Last evaluated: 2024-07-30. Review status: criteria provided, single submitter. Criteria: Invitae Variant Classification Sherloc (09022015). Collection method: clinical testing. Allele origin: germline.
Comment: This sequence change replaces valine, which is neutral and non-polar, with isoleucine, which is neutral and non-polar, at codon 178 of the KCNJ5 protein (p.Val178Ile). This variant is present in population databases (rs771161358, gnomAD 0.006%). This variant has not been reported in the literature in individuals affected with KCNJ5-related conditions. ClinVar contains an entry for this variant (Variation ID: 1045677). Advanced modeling of protein sequence and biophysical properties (such as structural, functional, and spatial information, amino acid conservation, physicochemical variation, residue mobility, and thermodynamic stability) performed at Invitae indicates that this missense variant is not expected to disrupt KCNJ5 protein function with a negative predictive value of 80%. Experimental studies are conflicting or provide insufficient evidence to determine the effect of this variant on KCNJ5 function (PMID: 29467578). In summary, the available evidence is currently insufficient to determine the role of this variant in disease. Therefore, it has been classified as a Variant of Uncertain Significance.

Fulgent Genetics
Classification: Uncertain significance for Long QT syndrome 13; Familial hyperaldosteronism type III. Last evaluated: 2021-11-12. Review status: criteria provided, single submitter. Criteria: ACMG Guidelines, 2015. Collection method: clinical testing. Allele origin: unknown.

Literature cited by the submitters: PubMed 29467578 (cited by Labcorp Genetics (formerly Invitae), Labcorp).